The following is an entry in ClinVar:

NM_015103.3(PLXND1):c.3431G>A (p.Arg1144Gln)

Gene: PLXND1 (plexin D1; minus strand). Cytogenetic location: 3q22.1.
Variant type: single nucleotide variant.
Coding change: c.3431G>A on transcript NM_015103.3 (MANE Select); coding-DNA position 3431, G replaced by A.
Protein change: p.Arg1144Gln; replaces arginine 1144 with glutamine.
Molecular consequence: missense variant.
Genome position (GRCh38, 1-based): chr3:129,571,209, C>T on the plus strand (G>A on the coding strand, the complement: PLXND1 is on the minus strand). VCF-style: chr3-129571209-C-T. GRCh37 (hg19) VCF-style: chr3-129290052-C-T.
Other names: p.Arg1144Gln; short protein forms R1144Q.
Identifiers: ClinVar variation 5038042 (VCV005038042.1).

ClinVar aggregate classification (germline): Uncertain significance (1 of 4 stars; one submission).

Conditions:
Congenital heart defects, multiple types, 9 (CHTD9). Identifiers: MedGen C5830367, MONDO:0859532, OMIM 620294.

gnomAD v4.1: 28 of 1,614,078 alleles (0.0017%); highest among the groups gnomAD compares: South Asian, 0.0033%; no homozygotes.

Submission:

Department of Molecular Genetics, Istishari Arab Hospital
Classification: Uncertain significance for Congenital heart defects, multiple types, 9. Last evaluated: 2026-10-29. Review status: criteria provided, single submitter. Criteria: ACMG Guidelines, 2015. Collection method: clinical testing. Allele origin: germline. Inheritance: Autosomal recessive inheritance. Affected: no.
Comment: The PLXND1 c.3431G>A, p.Arg1144Gln variant results in an amino acid substitution at residue 1144. It is very rare in population databases. Based on the currently available evidence, it is classified as a variant of uncertain significance according to ACMG/AMP and ClinGen SVI guidelines.